The following is an entry in ClinVar:

NM_004655.4(AXIN2):c.438C>T (p.Ser146=)

Gene: AXIN2 (axin 2; minus strand). Cytogenetic location: 17q24.1.
Variant type: single nucleotide variant.
Coding change: c.438C>T on transcript NM_004655.4 (MANE Select); coding-DNA position 438, C replaced by T.
Protein change: p.Ser146=; no amino-acid change (serine 146 retained).
Molecular consequence: synonymous variant.
Genome position (GRCh38, 1-based): chr17:65,558,183, G>A on the plus strand (C>T on the coding strand, the complement: AXIN2 is on the minus strand). VCF-style: chr17-65558183-G-A. GRCh37 (hg19) VCF-style: chr17-63554301-G-A.
Other names: c.438C>T, p.Ser146= (NM_001363813.1).
Identifiers: ClinVar variation 1652925 (VCV001652925.11), dbSNP rs2044301442, ClinGen allele CA501691772.

ClinVar aggregate classification (germline): Benign/Likely benign. Review status: criteria provided, multiple submitters, no conflicts (2 of 4 stars). 3 submissions from 3 submitters: Benign (1); Likely benign (2). Last evaluated 2024-06-26.

Conditions:
Hereditary cancer-predisposing syndrome. Also called: Neoplastic Syndromes, Hereditary; Hereditary Cancer Syndrome; Hereditary neoplastic syndrome; Tumor predisposition. Identifiers: Orphanet 140162, MedGen C0027672, MeSH D009386, MONDO:0015356.
Oligodontia-cancer predisposition syndrome. Also called: TOOTH AGENESIS-COLORECTAL CANCER SYNDROME. Identifiers: Orphanet 300576, MedGen C1837750, MONDO:0012075, OMIM 608615. Disease mechanism: loss of function.

Allele frequency attached by ClinVar (database versions not stated): TOPMed below 0.00001.

Submissions (3):

Myriad Genetics, Inc.
Classification: Benign for Oligodontia-cancer predisposition syndrome. Last evaluated: 2024-06-26. Review status: criteria provided, single submitter. Criteria: Myriad Autosomal Dominant, Autosomal Recessive and X-Linked Classification Criteria (2023). Collection method: clinical testing. Allele origin: unknown.
Comment: This variant is considered benign. This variant is a silent/synonymous amino acid change and it is not expected to impact splicing.

Labcorp Genetics (formerly Invitae), Labcorp
Classification: Likely benign for Oligodontia-cancer predisposition syndrome. Last evaluated: 2024-02-27. Review status: criteria provided, single submitter. Criteria: Invitae Variant Classification Sherloc (09022015). Collection method: clinical testing. Allele origin: germline.

Ambry Genetics
Classification: Likely benign for Hereditary cancer-predisposing syndrome. Last evaluated: 2021-06-02. Review status: criteria provided, single submitter. Criteria: Ambry Variant Classification Scheme 2023. Collection method: clinical testing. Allele origin: germline.